The following is an entry in ClinVar:

NM_001142800.2(EYS):c.7746_7762del (p.Arg2583fs)

Gene: EYS (EGF-like photoreceptor maintenance factor; minus strand). Cytogenetic location: 6q12.
Variant type: Deletion.
Coding change: c.7746_7762del on transcript NM_001142800.2 (MANE Select); coding-DNA positions 7746 to 7762, 17 bases deleted (TCGCACTGAGAAGGATG).
Protein change: p.Arg2583fs; shifts the reading frame from arginine 2583.
Molecular consequence: frameshift variant.
Genome position (GRCh38, 1-based): chr6:63,778,142-63,778,158, CATCCTTCTCAGTGCGA deleted on the plus strand (TCGCACTGAGAAGGATG on the coding strand, the reverse complement: EYS is on the minus strand). VCF-style (leftmost placement, unchanged base first): chr6-63778141-CCATCCTTCTCAGTGCGA-C. GRCh37 (hg19) VCF-style: chr6-64488034-CCATCCTTCTCAGTGCGA-C.
Other names: c.7746_7762del, p.Arg2583fs (NM_001292009.2); short protein forms R2583fs.
Identifiers: ClinVar variation 2700921 (VCV002700921.3), dbSNP rs2533517835, ClinGen allele CA2697553511.
Genomic context (GRCh38, chr6:63,778,141, plus strand): 5'-TGGCCAACACTGCGTCCAGCATTTGGGTGGCCCTCAGGATTTCCCAGTCCTCTGAAATGG[CCATCCTTCTCAGTGCGA>C]ACTTGAAGAGTGAAAATACAGCCTTGAAGAAATGCAAAAACACTTCGTGTTAACAAACAG-3'

ClinVar aggregate classification (germline): Pathogenic (1 of 4 stars; one submission).

Submission:

Labcorp Genetics (formerly Invitae), Labcorp
Classification: Pathogenic. Last evaluated: 2023-10-05. Review status: criteria provided, single submitter. Criteria: Invitae Variant Classification Sherloc (09022015). Collection method: clinical testing. Allele origin: germline.
Comment: This sequence change creates a premature translational stop signal (p.Arg2583Profs*9) in the EYS gene. It is expected to result in an absent or disrupted protein product. Loss-of-function variants in EYS are known to be pathogenic (PMID: 18836446, 20333770). This variant is not present in population databases (gnomAD no frequency). This variant has not been reported in the literature in individuals affected with EYS-related conditions. For these reasons, this variant has been classified as Pathogenic.

Literature cited by the submitters: PubMed 18836446; PubMed 20333770.